The following is an entry in ClinVar:

ClinVar aggregate classification (germline): Uncertain significance. Review status: criteria provided, multiple submitters, no conflicts (2 of 4 stars). 2 submissions from 2 submitters: Uncertain significance (2). Last evaluated 2025-04-08.

Allele frequency attached by ClinVar (database versions not stated): gnomAD exomes below 0.00001; TOPMed 0.00002.

Submissions (2):

Ambry Genetics
Classification: Uncertain significance. Last evaluated: 2025-04-08. Review status: criteria provided, single submitter. Criteria: Ambry Variant Classification Scheme 2023. Collection method: clinical testing. Allele origin: germline.

GeneDx
Classification: Uncertain significance. Last evaluated: 2022-03-04. Review status: criteria provided, single submitter. Criteria: GeneDx Variant Classification Process June 2021. Collection method: clinical testing. Allele origin: germline. Affected: yes.
Comment: In silico analysis supports that this missense variant does not alter protein structure/function; Has not been previously published as pathogenic or benign to our knowledge

NM_033310.3(KCNK4):c.869C>A (p.Ala290Asp)

Genes: KCNK4 (potassium two pore domain channel subfamily K member 4; plus strand), KCNK4-CATSPERZ (KCNK4-CATSPERZ readthrough (NMD candidate); plus strand). Cytogenetic location: 11q13.1.
Variant type: single nucleotide variant.
Coding change: c.869C>A on transcript NM_033310.3 (MANE Select); coding-DNA position 869, C replaced by A.
Protein change: p.Ala290Asp; replaces alanine 290 with aspartic acid.
Molecular consequence: missense variant. On other transcripts: non-coding transcript variant (3).
Genome position (GRCh38, 1-based): chr11:64,299,413, C>A. VCF-style: chr11-64299413-C-A. GRCh37 (hg19) VCF-style: chr11-64066885-C-A.
Other names: c.869C>A, p.Ala290Asp (NM_001317090.2); short protein forms A290D.
Identifiers: ClinVar variation 1704017 (VCV001704017.3), dbSNP rs1448647587, ClinGen allele CA381067228.